The following is an entry in ClinVar:

ClinVar aggregate classification (germline): Uncertain significance. Review status: criteria provided, multiple submitters, no conflicts (2 of 4 stars). 2 submissions from 2 submitters: Uncertain significance (2). Last evaluated 2020-10-09.

Conditions:
Hereditary cancer-predisposing syndrome. Also called: Tumor predisposition; Neoplastic Syndromes, Hereditary; Hereditary neoplastic syndrome; Hereditary Cancer Syndrome. Identifiers: Orphanet 140162, MedGen C0027672, MeSH D009386, MONDO:0015356.

Submissions (2):

Ambry Genetics
Classification: Uncertain significance for Hereditary cancer-predisposing syndrome. Last evaluated: 2020-10-09. Review status: criteria provided, single submitter. Criteria: Ambry Variant Classification Scheme 2023. Collection method: clinical testing. Allele origin: germline.
Comment: The c.3865_3888del24 variant (also known as p.F1289_K1296del) is located in coding exon 9 of the MSH6 gene. This variant results from an in-frame deletion of 24 nucleotides at nucleotide positions 3865 to 3888. This results in the in-frame deletion of 8 amino acids at codon positions 1289 to 1296. This variant has been detected in cis with a likely pathogenic variant in MSH6 (Ambry internal data). This amino acid region is well conserved in available vertebrate species. Since supporting evidence is limited at this time, the clinical significance of this alteration remains unclear.

Color Diagnostics, LLC DBA Color Health
Classification: Uncertain significance for Hereditary cancer-predisposing syndrome. Last evaluated: 2018-08-10. Review status: criteria provided, single submitter. Criteria: ACMG Guidelines, 2015. Collection method: clinical testing. Allele origin: germline.

NM_000179.3(MSH6):c.3865_3888del (p.Phe1289_Lys1296del)

Gene: MSH6 (mutS homolog 6; plus strand). Cytogenetic location: 2p16.3.
Variant type: Deletion.
Coding change: c.3865_3888del on transcript NM_000179.3 (MANE Select); coding-DNA positions 3865 to 3888, 24 bases deleted (TTCATTAAGGGAGCTTGTCCTAAA).
Protein change: p.Phe1289_Lys1296del.
Molecular consequence: inframe deletion.
Genome position (GRCh38, 1-based): chr2:47,806,515-47,806,538, TTCATTAAGGGAGCTTGTCCTAAA deleted; deleting any 24 consecutive bases within chr2:47,806,511-47,806,538 gives the same sequence; the c. name uses the placement nearest the transcript's 3' end. VCF-style (leftmost placement, unchanged base first): chr2-47806510-ATAAATTCATTAAGGGAGCTTGTCC-A. GRCh37 (hg19) VCF-style: chr2-48033649-ATAAATTCATTAAGGGAGCTTGTCC-A.
Other names: c.3475_3498del, p.Phe1159_Lys1166del (NM_001281492.2); c.2959_2982del, p.Phe987_Lys994del (NM_001281493.2, NM_001281494.2); c.3865_3888del24 (NM_000179.2).
Identifiers: ClinVar variation 631286 (VCV000631286.4), dbSNP rs1558393549, ClinGen allele CA913188038.